The following is an entry in ClinVar:

ClinVar aggregate classification (germline): Likely benign. Review status: criteria provided, multiple submitters, no conflicts (2 of 4 stars). 3 submissions from 3 submitters: Likely benign (3). Last evaluated 2026-02-06.

Conditions:
Inborn genetic diseases. Identifiers: MedGen C0950123, MeSH D030342.
Tatton-Brown-Rahman overgrowth syndrome. Also called: Tatton-Brown-Rahman syndrome; Tall stature-intellectual disability-facial dysmorphism syndrome. Identifiers: Orphanet 404443, MedGen C4014545, MONDO:0014382, OMIM 615879.
DNMT3A-related disorder. Also called: DNMT3A-related disorders; DNMT3A-related condition.

Allele frequency attached by ClinVar (database versions not stated): gnomAD exomes below 0.00001.
gnomAD v4.1: 2 of 1,612,038 alleles (0.00012%); highest among the groups gnomAD compares: East Asian, 0.0022%; no homozygotes.

Submissions (3):

Ambry Genetics
Classification: Likely benign for Inborn genetic diseases. Last evaluated: 2026-02-06. Review status: criteria provided, single submitter. Criteria: Ambry Variant Classification Scheme 2023. Collection method: clinical testing. Allele origin: germline.

PreventionGenetics, part of Exact Sciences
Classification: Likely benign for DNMT3A-related condition. Last evaluated: 2025-07-15. Review status: criteria provided, single submitter. Criteria: ACMG Guidelines, 2015. Collection method: clinical testing. Allele origin: germline.
Comment: This variant is classified as likely benign based on ACMG/AMP sequence variant interpretation guidelines (Richards et al. 2015 PMID: 25741868, with internal and published modifications).

Labcorp Genetics (formerly Invitae), Labcorp
Classification: Likely benign for Tatton-Brown-Rahman overgrowth syndrome. Last evaluated: 2022-10-07. Review status: criteria provided, single submitter. Criteria: Invitae Variant Classification Sherloc (09022015). Collection method: clinical testing. Allele origin: germline.

NM_022552.5(DNMT3A):c.660C>A (p.Val220=)

Gene: DNMT3A (DNA methyltransferase 3 alpha; minus strand). Cytogenetic location: 2p23.3.
Variant type: single nucleotide variant.
Coding change: c.660C>A on transcript NM_022552.5 (MANE Select); coding-DNA position 660, C replaced by A.
Protein change: p.Val220=; no amino-acid change (valine 220 retained).
Molecular consequence: synonymous variant. On other transcripts: 5 prime UTR variant (1), non-coding transcript variant (1).
Genome position (GRCh38, 1-based): chr2:25,248,232, G>T on the plus strand (C>A on the coding strand, the complement: DNMT3A is on the minus strand). VCF-style: chr2-25248232-G-T. GRCh37 (hg19) VCF-style: chr2-25471101-G-T.
Other names: c.660C>A (NM_022552.3); c.204C>A, p.Val68= (NM_001320893.1); c.-10C>A (NM_001375819.1); c.93C>A, p.Val31= (NM_153759.3); c.660C>A, p.Val220= (NM_175629.2).
Identifiers: ClinVar variation 1969087 (VCV001969087.7), dbSNP rs1329921403, ClinGen allele CA425184319.